The following is an entry in ClinVar:

NM_001085049.3(MRAS):c.434C>T (p.Ala145Val)

Gene: MRAS (muscle RAS oncogene homolog; plus strand). Cytogenetic location: 3q22.3.
Variant type: single nucleotide variant.
Coding change: c.434C>T on transcript NM_001085049.3 (MANE Select); coding-DNA position 434, C replaced by T.
Protein change: p.Ala145Val; replaces alanine 145 with valine.
Molecular consequence: missense variant.
Genome position (GRCh38, 1-based): chr3:138,398,555, C>T. VCF-style: chr3-138398555-C-T. GRCh37 (hg19) VCF-style: chr3-138117397-C-T.
Other names: c.434C>T, p.Ala145Val (NM_001252090.2, NM_012219.4); c.206C>T, p.Ala69Val (NM_001252091.1, NM_001252092.2, NM_001252093.2); short protein forms A145V, A69V.
Identifiers: ClinVar variation 3625001 (VCV003625001.2).

ClinVar aggregate classification (germline): Uncertain significance (1 of 4 stars; one submission).

gnomAD v4.1: 11 of 1,614,008 alleles (0.00068%); highest among the groups gnomAD compares: East Asian, 0.0022%; no homozygotes.

Submission:

Labcorp Genetics (formerly Invitae), Labcorp
Classification: Uncertain significance. Last evaluated: 2024-07-11. Review status: criteria provided, single submitter. Criteria: Invitae Variant Classification Sherloc (09022015). Collection method: clinical testing. Allele origin: germline.
Comment: This sequence change replaces alanine, which is neutral and non-polar, with valine, which is neutral and non-polar, at codon 145 of the MRAS protein (p.Ala145Val). This variant is present in population databases (rs541672208, gnomAD 0.006%). This variant has not been reported in the literature in individuals affected with MRAS-related conditions. An algorithm developed to predict the effect of missense changes on protein structure and function (PolyPhen-2) suggests that this variant is likely to be disruptive. In summary, the available evidence is currently insufficient to determine the role of this variant in disease. Therefore, it has been classified as a Variant of Uncertain Significance.